The following is an entry in ClinVar:

ClinVar aggregate classification (germline): Pathogenic (1 of 4 stars; one submission).

Submission:

GeneDx
Classification: Pathogenic. Last evaluated: 2019-02-27. Review status: criteria provided, single submitter. Criteria: GeneDx Variant Classification (06012015). Collection method: clinical testing. Allele origin: germline. Affected: yes.
Comment: The c.63delA variant in the FLG gene has not been reported previously as a pathogenic variant nor as a benign variant, to our knowledge. The c.63delA variant causes a frameshift starting with codon Aspartic Acid 22, changes this amino acid to a Isoleucine residue, and creates a premature Stop codon at position 7 of the new reading frame, denoted p.Asp22IlefsX7. This variant results in the replacement of the last 4040 correct amnio acids with 6 incorrect amino acids and is predicted to cause loss of normal protein function through protein truncation. The c.63delA variant is not observed in large population cohorts (Lek et al., 2016). We interpret c.63delA as a pathogenic variant.

NM_002016.2(FLG):c.63del (p.Asp22fs)

Genes: FLG (filaggrin; minus strand), FLG-AS1 (FLG antisense RNA 1; plus strand). Cytogenetic location: 1q21.3.
Variant type: Deletion.
Coding change: c.63del on transcript NM_002016.2 (MANE Select); coding-DNA position 63, one base deleted (A; older notation c.63delA).
Protein change: p.Asp22fs; shifts the reading frame from aspartic acid 22.
Molecular consequence: frameshift variant.
Genome position (GRCh38, 1-based): chr1:152,315,394, T deleted on the plus strand (A on the coding strand, the reverse complement: FLG is on the minus strand); the first of 7 consecutive T bases (chr1:152,315,394-152,315,400); deleting any one gives the same sequence. VCF-style (leftmost placement, unchanged base first): chr1-152315393-CT-C. GRCh37 (hg19) VCF-style: chr1-152287869-CT-C.
Other names: short protein forms D22fs.
Identifiers: ClinVar variation 817480 (VCV000817480.1), dbSNP rs756605558, ClinGen allele CA915941431.